The following is an entry in ClinVar:

NM_004385.5(VCAN):c.1251T>G (p.Asp417Glu)

Gene: VCAN (versican; plus strand). Cytogenetic location: 5q14.3.
Variant type: single nucleotide variant.
Coding change: c.1251T>G on transcript NM_004385.5 (MANE Select); coding-DNA position 1251, T replaced by G.
Protein change: p.Asp417Glu; replaces aspartic acid 417 with glutamic acid.
Molecular consequence: missense variant. On other transcripts: intron variant (2).
Genome position (GRCh38, 1-based): chr5:83,519,557, T>G. VCF-style: chr5-83519557-T-G. GRCh37 (hg19) VCF-style: chr5-82815376-T-G.
Other names: c.1251T>G, p.Asp417Glu (NM_001164098.2); c.1042+7161T>G (NM_001164097.2, NM_001126336.3); short protein forms D417E.
Identifiers: ClinVar variation 1935001 (VCV001935001.5), dbSNP rs371700683, ClinGen allele CA3332636.
Genomic context (GRCh38, chr5:83,519,557, plus strand): 5'-CGTGGGAAATATTGTCAGTTTTGAACAGAAAGCCACAGTCCAACCTCAGGCTATCACAGA[T>G]AGTTTAGCCACCAAATTACCCACACCTACTGGCAGTACCAAGAAGCCCTGGGATATGGAT-3'
Protein context (NP_004376.2, residues 407-427): KATVQPQAIT[Asp417Glu]SLATKLPTPT

ClinVar aggregate classification (germline): Uncertain significance (1 of 4 stars; one submission).

gnomAD v4.1: 32 of 1,614,088 alleles (0.002%); highest among the groups gnomAD compares: Non-Finnish European, 0.0027%; no homozygotes.

Submission:

Labcorp Genetics (formerly Invitae), Labcorp
Classification: Uncertain significance. Last evaluated: 2025-07-16. Review status: criteria provided, single submitter. Criteria: Invitae Variant Classification Sherloc (09022015). Collection method: clinical testing. Allele origin: germline.
Comment: This sequence change replaces aspartic acid, which is acidic and polar, with glutamic acid, which is acidic and polar, at codon 417 of the VCAN protein (p.Asp417Glu). This variant is present in population databases (rs371700683, gnomAD 0.0009%). This variant has not been reported in the literature in individuals affected with VCAN-related conditions. ClinVar contains an entry for this variant (Variation ID: 1935001). An algorithm developed to predict the effect of missense changes on protein structure and function (PolyPhen-2) suggests that this variant is likely to be tolerated. In summary, the available evidence is currently insufficient to determine the role of this variant in disease. Therefore, it has been classified as a Variant of Uncertain Significance.